The following is an entry in ClinVar:

NM_000136.3(FANCC):c.1555dup (p.Thr519fs)

Genes: AOPEP (aminopeptidase O (putative); plus strand), FANCC (FA complementation group C; minus strand). Cytogenetic location: 9q22.32.
Variant type: Duplication.
Coding change: c.1555dup on transcript NM_000136.3 (MANE Select); coding-DNA position 1555, one base duplicated (A; older notation c.1555dupA).
Protein change: p.Thr519fs; shifts the reading frame from threonine 519.
Molecular consequence: frameshift variant.
Genome position (GRCh38, 1-based): chr9:95,101,829, T duplicated on the plus strand (A on the coding strand, the reverse complement: FANCC is on the minus strand); the first of 2 consecutive T bases (chr9:95,101,829-95,101,830); duplicating either gives the same sequence. VCF-style (leftmost placement, unchanged base first): chr9-95101828-G-GT. GRCh37 (hg19) VCF-style: chr9-97864110-G-GT.
Other names: c.1555dup, p.Thr519fs (NM_001243743.2); c.1555dupA (NM_000136.2); short protein forms T519fs.
Identifiers: ClinVar variation 12048 (VCV000012048.11), dbSNP rs794726667, ClinGen allele CA256206.

ClinVar aggregate classification (germline): Pathogenic/Likely pathogenic. Review status: criteria provided, multiple submitters, no conflicts (2 of 4 stars). 5 submissions from 5 submitters: Pathogenic (2); Likely pathogenic (2). 1 of the submissions does not count toward it. Last evaluated 2025-03-10.

Conditions:
Hereditary cancer-predisposing syndrome. Also called: Tumor predisposition; Hereditary neoplastic syndrome; Hereditary Cancer Syndrome; Neoplastic Syndromes, Hereditary. Identifiers: Orphanet 140162, MedGen C0027672, MeSH D009386, MONDO:0015356.
Fanconi anemia (FA). Also called: Fanconi's anemia. Identifiers: Orphanet 84, MedGen C0015625, MeSH D005199, MONDO:0019391.
Fanconi anemia complementation group C (FANCC). Also called: FANCC-Related Fanconi Anemia; FANCONI PANCYTOPENIA, TYPE 3; FACC; Fanconi anemia, group C. Identifiers: Orphanet 84, MedGen C3468041, MONDO:0009213, OMIM 227645.

Submissions (5):

GeneDx
Classification: Likely pathogenic. Last evaluated: 2025-03-10. Review status: criteria provided, single submitter. Criteria: GeneDx Variant Classification Process June 2021. Collection method: clinical testing. Allele origin: germline. Affected: yes.
Comment: Identified with a pathogenic FANCC variant, phase (cis or trans) unknown, in a patient with Fanconi anemia (PMID: 8829660); Frameshift variant predicted to result in abnormal protein length as the last 40 amino acids are replaced with 8 different amino acids, and other similar variants have been reported in HGMD; Published functional studies demonstrate an inability to correct MMC hypersensitivity suggesting loss of function (PMID: 8882868); Not observed at significant frequency in large population cohorts (gnomAD); Also known as 1806insA; This variant is associated with the following publications: (PMID: 8882868, 8829660)

Ambry Genetics
Classification: Pathogenic for Hereditary cancer-predisposing syndrome. Last evaluated: 2024-03-19. Review status: criteria provided, single submitter. Criteria: Ambry Variant Classification Scheme 2023. Collection method: clinical testing. Allele origin: germline.
Comment: The c.1555dupA variant, located in coding exon 14 of the FANCC gene, results from a duplication of A at nucleotide position 1555, causing a translational frameshift with a predicted alternate stop codon (p.T519Nfs*9). This alteration occurs at the 3' terminus of FANCC gene, is not expected to trigger nonsense-mediated mRNA decay, and only impacts the last 7% of the protein. However, premature stop codons are typically deleterious in nature and a significant portion of the protein is affected (Ambry internal data). Based on the supporting evidence, this alteration is interpreted as a disease-causing mutation.

Labcorp Genetics (formerly Invitae), Labcorp
Classification: Pathogenic for Fanconi anemia. Last evaluated: 2023-02-01. Review status: criteria provided, single submitter. Criteria: Invitae Variant Classification Sherloc (09022015). Collection method: clinical testing. Allele origin: germline.
Comment: This sequence change creates a premature translational stop signal (p.Thr519Asnfs*9) in the FANCC gene. While this is not anticipated to result in nonsense mediated decay, it is expected to disrupt the last 40 amino acid(s) of the FANCC protein. This variant is present in population databases (rs794726667, gnomAD 0.007%). This premature translational stop signal has been observed in individual(s) with clinical features of Fanconi anemia (PMID: 8829660). This variant is also known as 1806insA. ClinVar contains an entry for this variant (Variation ID: 12048). Algorithms developed to predict the effect of variants on protein structure and function are not available or were not evaluated for this variant. Experimental studies have shown that this premature translational stop signal affects FANCC function (PMID: 8882868). This variant disrupts a region of the FANCC protein in which other variant(s) (p.Arg548*) have been determined to be pathogenic (PMID: 8103176, 8882868, 24584348). This suggests that this is a clinically significant region of the protein, and that variants that disrupt it are likely to be disease-causing. For these reasons, this variant has been classified as Pathogenic.

Women's Health and Genetics/Laboratory Corporation of America, LabCorp
Classification: Likely pathogenic for Fanconi anemia complementation group C. Last evaluated: 2021-07-29. Review status: criteria provided, single submitter. Criteria: LabCorp Variant Classification Summary - May 2015. Collection method: clinical testing. Allele origin: germline.
Comment: Variant summary: FANCC c.1555dupA (p.Thr519AsnfsX9) results in a premature termination codon, predicted to cause a truncation of the encoded protein or absence of the protein due to nonsense mediated decay, which are commonly known mechanisms for disease. Truncations downstream of this position have been classified as pathogenic by our laboratory (e.g. p.Arg548X). The variant was absent in 251020 control chromosomes (gnomAD). c.1555dupA (also described in the literature as 1806insA) has been reported in compound heterozygosity with another pathogenic variant in one individual (Lo Ten Foe_1996). This individual was reported with normal complete blood cell count and observed phenotypic reversion to MMC resistance which was determined to be due to a detected mitotic crossover event between the mutated sites deduced to have occurred in the patient's hematopoietic system which lead to the production of a wild-type allele and an allele having the two mutations in cis (Lo Ten Foe_1997). Nevertheless, Lo Ten Foe et al (1996) using a functional assay demonstrated that the specific variant was not capable of restoring MMC hypersensitivity. No clinical diagnostic laboratories have submitted clinical-significance assessments for this variant to ClinVar after 2014. Based on the evidence outlined above, the variant was classified as likely pathogenic.

OMIM
Classification: Pathogenic for FANCONI ANEMIA, COMPLEMENTATION GROUP C. Last evaluated: 1996-01-01. Review status: no assertion criteria provided. Collection method: literature only. Allele origin: germline. Not counted in ClinVar's aggregate classification.

Literature cited by the submitters: PubMed 8829660 (cited by 3 submitters); PubMed 8882868 (cited by Labcorp Genetics (formerly Invitae), Labcorp and Women's Health and Genetics/Laboratory Corporation of America, LabCorp); PubMed 8103176 (cited by Labcorp Genetics (formerly Invitae), Labcorp); PubMed 24584348 (cited by Labcorp Genetics (formerly Invitae), Labcorp); PubMed 16445838 (cited by Women's Health and Genetics/Laboratory Corporation of America, LabCorp); PubMed 9272737 (cited by Women's Health and Genetics/Laboratory Corporation of America, LabCorp).